The following is an entry in ClinVar:

NM_001903.5(CTNNA1):c.1753C>G (p.Pro585Ala)

Gene: CTNNA1 (catenin alpha 1; plus strand). Cytogenetic location: 5q31.2.
Variant type: single nucleotide variant.
Coding change: c.1753C>G on transcript NM_001903.5 (MANE Select); coding-DNA position 1753, C replaced by G.
Protein change: p.Pro585Ala; replaces proline 585 with alanine.
Molecular consequence: missense variant.
Genome position (GRCh38, 1-based): chr5:138,925,261, C>G. VCF-style: chr5-138925261-C-G. GRCh37 (hg19) VCF-style: chr5-138260950-C-G.
Other names: c.643C>G, p.Pro215Ala (NM_001323988.1, NM_001323989.1, NM_001323990.1 and 17 more transcripts); c.1753C>G, p.Pro585Ala (NM_001290307.3, NM_001323982.2, NM_001323983.1 and 2 more transcripts); c.1444C>G, p.Pro482Ala (NM_001290309.3); c.1384C>G, p.Pro462Ala (NM_001290310.3); c.1660C>G, p.Pro554Ala (NM_001323986.2); c.304C>G, p.Pro102Ala (NM_001324006.1, NM_001324007.1, NM_001324008.1 and 2 more transcripts); c.550C>G, p.Pro184Ala (NM_001324011.1); c.400C>G, p.Pro134Ala (NM_001324012.1, NM_001324013.1); short protein forms P102A, P134A, P184A, P462A, P554A, P585A, P215A, P482A.
Identifiers: ClinVar variation 2985345 (VCV002985345.3), dbSNP rs1383896601, ClinGen allele CA361132132.

ClinVar aggregate classification (germline): Uncertain significance (1 of 4 stars; one submission).

gnomAD v4.1: 1 of 1,613,770 alleles (0.000062%); no homozygotes.

Submission:

Labcorp Genetics (formerly Invitae), Labcorp
Classification: Uncertain significance. Last evaluated: 2022-12-11. Review status: criteria provided, single submitter. Criteria: Invitae Variant Classification Sherloc (09022015). Collection method: clinical testing. Allele origin: germline.
Comment: In summary, the available evidence is currently insufficient to determine the role of this variant in disease. Therefore, it has been classified as a Variant of Uncertain Significance. Advanced modeling of protein sequence and biophysical properties (such as structural, functional, and spatial information, amino acid conservation, physicochemical variation, residue mobility, and thermodynamic stability) performed at Invitae indicates that this missense variant is not expected to disrupt CTNNA1 protein function. This variant has not been reported in the literature in individuals affected with CTNNA1-related conditions. This variant is present in population databases (no rsID available, gnomAD 0.0009%). This sequence change replaces proline, which is neutral and non-polar, with alanine, which is neutral and non-polar, at codon 585 of the CTNNA1 protein (p.Pro585Ala).